The following is an entry in ClinVar:

NM_000552.5(VWF):c.284A>T (p.His95Leu)

Gene: VWF (von Willebrand factor; minus strand). Cytogenetic location: 12p13.31.
Variant type: single nucleotide variant.
Coding change: c.284A>T on transcript NM_000552.5 (MANE Select); coding-DNA position 284, A replaced by T.
Protein change: p.His95Leu; replaces histidine 95 with leucine.
Molecular consequence: missense variant.
Genome position (GRCh38, 1-based): chr12:6,110,905, T>A on the plus strand (A>T on the coding strand, the complement: VWF is on the minus strand). VCF-style: chr12-6110905-T-A. GRCh37 (hg19) VCF-style: chr12-6220071-T-A.
Other names: short protein forms H95L.
Identifiers: ClinVar variation 4847475 (VCV004847475.1).

ClinVar aggregate classification (germline): Uncertain significance (1 of 4 stars; one submission).

gnomAD v4.1: 7 of 1,614,154 alleles (0.00043%); highest among the groups gnomAD compares: Non-Finnish European, 0.00051%; no homozygotes.

Submission:

Women's Health and Genetics/Laboratory Corporation of America, LabCorp
Classification: Uncertain significance. Last evaluated: 2026-03-04. Review status: criteria provided, single submitter. Criteria: LabCorp Variant Classification Summary - May 2015. Collection method: clinical testing. Allele origin: germline.
Comment: Variant summary: VWF c.284A>T (p.His95Leu) results in a non-conservative amino acid change in the encoded protein sequence. Algorithms developed to predict the effect of missense changes on protein structure and function are either unavailable or do not agree on the potential impact of this missense change. The variant was absent in 251488 control chromosomes. The available data on variant occurrences in the general population are insufficient to allow any conclusion about variant significance. To our knowledge, no occurrence of c.284A>T in individuals affected with VWF-related conditions and no experimental evidence demonstrating its impact on protein function have been reported. No submitters have cited clinical-significance assessments for this variant to ClinVar. Based on the evidence outlined above, the variant was classified as uncertain significance.